The following is an entry in ClinVar:

NM_020338.4(ZMIZ1):c.839C>T (p.Ala280Val)

Gene: ZMIZ1 (zinc finger MIZ-type containing 1; plus strand). Cytogenetic location: 10q22.3.
Variant type: single nucleotide variant.
Coding change: c.839C>T on transcript NM_020338.4 (MANE Select); coding-DNA position 839, C replaced by T.
Protein change: p.Ala280Val; replaces alanine 280 with valine.
Molecular consequence: missense variant.
Genome position (GRCh38, 1-based): chr10:79,292,238, C>T. VCF-style: chr10-79292238-C-T. GRCh37 (hg19) VCF-style: chr10-81051995-C-T.
Other names: short protein forms A280V.
Identifiers: ClinVar variation 4803835 (VCV004803835.1).

ClinVar aggregate classification (germline): Uncertain significance (1 of 4 stars; one submission).

gnomAD v4.1: 2 of 1,612,146 alleles (0.00012%); highest among the groups gnomAD compares: Non-Finnish European, 0.00017%; no homozygotes.

Submission:

Labcorp Genetics (formerly Invitae), Labcorp
Classification: Uncertain significance. Last evaluated: 2025-08-10. Review status: criteria provided, single submitter. Criteria: Invitae Variant Classification Sherloc (09022015). Collection method: clinical testing. Allele origin: germline.
Comment: This sequence change replaces alanine, which is neutral and non-polar, with valine, which is neutral and non-polar, at codon 280 of the ZMIZ1 protein (p.Ala280Val). This variant is not present in population databases (gnomAD no frequency). This variant has not been reported in the literature in individuals affected with ZMIZ1-related conditions. Invitae Evidence Modeling of protein sequence and biophysical properties (such as structural, functional, and spatial information, amino acid conservation, physicochemical variation, residue mobility, and thermodynamic stability) has been performed for this missense variant. However, the output from this modeling did not meet the statistical confidence thresholds required to predict the impact of this variant on ZMIZ1 protein function. In summary, the available evidence is currently insufficient to determine the role of this variant in disease. Therefore, it has been classified as a Variant of Uncertain Significance.